The following is an entry in ClinVar:

ClinVar aggregate classification (germline): Uncertain significance (1 of 4 stars; one submission).

Conditions:
RASopathy. Also called: rasopathies; Noonan spectrum disorder. Identifiers: Orphanet 536391, MedGen C5555857, MONDO:0021060.

Submission:

Labcorp Genetics (formerly Invitae), Labcorp
Classification: Uncertain significance for RASopathy. Last evaluated: 2025-04-11. Review status: criteria provided, single submitter. Criteria: Invitae Variant Classification Sherloc (09022015). Collection method: clinical testing. Allele origin: germline.
Comment: This sequence change replaces glutamic acid, which is acidic and polar, with lysine, which is basic and polar, at codon 1146 of the SOS1 protein (p.Glu1146Lys). This variant is not present in population databases (gnomAD no frequency). This variant has not been reported in the literature in individuals affected with SOS1-related conditions. Invitae Evidence Modeling of protein sequence and biophysical properties (such as structural, functional, and spatial information, amino acid conservation, physicochemical variation, residue mobility, and thermodynamic stability) indicates that this missense variant is not expected to disrupt SOS1 protein function with a negative predictive value of 95%. In summary, the available evidence is currently insufficient to determine the role of this variant in disease. Therefore, it has been classified as a Variant of Uncertain Significance.

NM_005633.4(SOS1):c.3436G>A (p.Glu1146Lys)

Gene: SOS1 (SOS Ras/Rac guanine nucleotide exchange factor 1; minus strand). Cytogenetic location: 2p22.1.
Variant type: single nucleotide variant.
Coding change: c.3436G>A on transcript NM_005633.4 (MANE Select); coding-DNA position 3436, G replaced by A.
Protein change: p.Glu1146Lys; replaces glutamic acid 1146 with lysine.
Molecular consequence: missense variant.
Genome position (GRCh38, 1-based): chr2:38,987,547, C>T on the plus strand (G>A on the coding strand, the complement: SOS1 is on the minus strand). VCF-style: chr2-38987547-C-T. GRCh37 (hg19) VCF-style: chr2-39214688-C-T.
Other names: c.3415G>A, p.Glu1139Lys (NM_001382394.1); c.3391G>A, p.Glu1131Lys (NM_001382395.1); short protein forms E1131K, E1139K, E1146K.
Identifiers: ClinVar variation 4797091 (VCV004797091.1).